The following is an entry in ClinVar:

NM_000138.5(FBN1):c.7121A>G (p.His2374Arg)

Gene: FBN1 (fibrillin 1; minus strand). Cytogenetic location: 15q21.1.
Variant type: single nucleotide variant.
Coding change: c.7121A>G on transcript NM_000138.5 (MANE Select); coding-DNA position 7121, A replaced by G.
Protein change: p.His2374Arg; replaces histidine 2374 with arginine.
Molecular consequence: missense variant.
Genome position (GRCh38, 1-based): chr15:48,427,650, T>C on the plus strand (A>G on the coding strand, the complement: FBN1 is on the minus strand). VCF-style: chr15-48427650-T-C. GRCh37 (hg19) VCF-style: chr15-48719847-T-C.
Other names: short protein forms H2374R.
Identifiers: ClinVar variation 406268 (VCV000406268.8), dbSNP rs1060501018, ClinGen allele CA16614499.
Genomic context (GRCh38, chr15:48,427,650, plus strand): 5'-CGGCCATGGGGACAGAGTTTCTTGAAAGCCACAGTCCCCTGGAAAGGGCAGATCTCACAG[T>C]GGGGACCCCAGCCTCTCCCTCCGTCACAGCAGCATTCCGATTTGGTGACGGGGTTCCTGT-3'
Protein context (NP_000129.3, residues 2364-2384): CCDGGRGWGP[His2374Arg]CEICPFQGTV

ClinVar aggregate classification (germline): Uncertain significance (1 of 4 stars; one submission).

Conditions:
Marfan syndrome (MFS). Also called: Marfan syndrome, classic; Marfan syndrome type 1; Marfan's syndrome; MARFAN SYNDROME, TYPE I; FBN1-Related Marfan Syndrome. Identifiers: Orphanet 284963, Orphanet 558, MedGen C0024796, MONDO:0007947, OMIM 154700.
Familial thoracic aortic aneurysm and aortic dissection (TAAD). Also called: Thoracic aortic aneurysms and dissections. Identifiers: Orphanet 91387, MedGen C4707243, MONDO:0019625.

Submission:

Labcorp Genetics (formerly Invitae), Labcorp
Classification: Uncertain significance for Marfan syndrome; Familial thoracic aortic aneurysm and aortic dissection. Last evaluated: 2022-04-01. Review status: criteria provided, single submitter. Criteria: Invitae Variant Classification Sherloc (09022015). Collection method: clinical testing. Allele origin: germline.
Comment: This sequence change replaces histidine, which is basic and polar, with arginine, which is basic and polar, at codon 2374 of the FBN1 protein (p.His2374Arg). In summary, the available evidence is currently insufficient to determine the role of this variant in disease. Therefore, it has been classified as a Variant of Uncertain Significance. Advanced modeling of protein sequence and biophysical properties (such as structural, functional, and spatial information, amino acid conservation, physicochemical variation, residue mobility, and thermodynamic stability) performed at Invitae indicates that this missense variant is not expected to disrupt FBN1 protein function. ClinVar contains an entry for this variant (Variation ID: 406268). This variant has not been reported in the literature in individuals affected with FBN1-related conditions. This variant is not present in population databases (gnomAD no frequency).